The following is an entry in ClinVar:

ClinVar aggregate classification (germline): Uncertain significance (1 of 4 stars; one submission).

Submission:

GeneDx
Classification: Uncertain significance. Last evaluated: 2022-11-26. Review status: criteria provided, single submitter. Criteria: GeneDx Variant Classification Process June 2021. Collection method: clinical testing. Allele origin: germline. Affected: yes.
Comment: Not observed at significant frequency in large population cohorts (gnomAD); In silico analysis supports that this missense variant has a deleterious effect on protein structure/function; Has not been previously published as pathogenic or benign to our knowledge

NM_001111125.3(IQSEC2):c.1157C>T (p.Ser386Phe)

Gene: IQSEC2 (IQ motif and Sec7 domain ArfGEF 2; minus strand). Cytogenetic location: Xp11.22.
Variant type: single nucleotide variant.
Coding change: c.1157C>T on transcript NM_001111125.3 (MANE Select); coding-DNA position 1157, C replaced by T.
Protein change: p.Ser386Phe; replaces serine 386 with phenylalanine.
Molecular consequence: missense variant.
Genome position (GRCh38, 1-based): chrX:53,254,774, G>A on the plus strand (C>T on the coding strand, the complement: IQSEC2 is on the minus strand). VCF-style: chrX-53254774-G-A. GRCh37 (hg19) VCF-style: chrX-53283956-G-A.
Other names: c.1157C>T, p.Ser386Phe (NM_001410736.1); c.542C>T, p.Ser181Phe (NM_015075.2); short protein forms S181F, S386F.
Identifiers: ClinVar variation 1800944 (VCV001800944.1), dbSNP rs2519839385, ClinGen allele CA413169884.